The following is an entry in ClinVar:

ClinVar aggregate classification (germline): Uncertain significance. Review status: criteria provided, multiple submitters, no conflicts (2 of 4 stars). 2 submissions from 2 submitters: Uncertain significance (2). Last evaluated 2026-02-24.

Conditions:
Polycystic kidney disease, adult type (PKD1). Also called: Polycystic Kidney, Autosomal Dominant; POLYCYSTIC KIDNEY DISEASE, ADULT, TYPE I; Polycystic Kidney Disease 1, Autosomal Dominant; Polycystic kidney disease 1; Polycystic kidney disease 1, severe; POLYCYSTIC KIDNEY DISEASE 1 WITH OR WITHOUT POLYCYSTIC LIVER DISEASE. Identifiers: MedGen C3149841, MONDO:0008263, OMIM 173900.

Submissions (2):

Victorian Clinical Genetics Services, Murdoch Childrens Research Institute
Classification: Uncertain significance for Polycystic kidney disease, adult type. Last evaluated: 2026-02-24. Review status: criteria provided, single submitter. Criteria: ACMG Guidelines, 2015. Collection method: clinical testing. Allele origin: germline. Affected: yes.
Comment: This variant is classified as VUS-3A. Evidence in support of pathogenic classification: Variant is absent from gnomAD (v2, v3 and v4). - This variant has limited previous evidence of pathogenicity in unrelated individual(s). Missense variant predicted to be damaging by in silico tool(s) or highly conserved with a major amino acid change. Additional information: Variant is predicted to result in a missense amino acid change from Tyr to Asp; This variant is heterozygous; This gene is associated with autosomal dominant disease. Polycystic kidney disease 1 (MIM#173900) is predominantly caused by monoallelic variants, with rare reports of biallelic variants causing disease (OMIM); Alternative amino acid change(s) at the same position are present in gnomAD (highest allele count: v4: 1 heterozygote(s), 0 homozygote(s)); No published functional evidence has been identified for this variant; No comparable missense variants have previous evidence for pathogenicity; Variant is located in the annotated REJ domain (DECIPHER); Loss of function is a known mechanism of disease in this gene and is associated with polycystic kidney disease 1 (MIM#173900); Inheritance information for this variant is not currently available in this individual.

Juno Genomics, Hangzhou Juno Genomics, Inc
Classification: Uncertain significance for Polycystic kidney disease, adult type. Review status: criteria provided, single submitter. Criteria: ACMG Guidelines, 2015. Collection method: clinical testing. Allele origin: germline. Affected: yes.
Comment: Absent from controls (or at extremely low frequency if recessive) in Genome Aggregation Database.;Multiple lines of computational evidence support a deleterious effect on the gene or gene product.;The prevalence of the variant in affected individuals is significantly increased compared to the prevalence in controls.;Patient's phenotype or family history is highly specific for a disease with a single genetic etiology.

Literature cited by the submitters: PubMed 11857740 (cited by Victorian Clinical Genetics Services, Murdoch Childrens Research Institute).

NM_001009944.3(PKD1):c.6553T>G (p.Tyr2185Asp)

Gene: PKD1 (polycystin 1, transient receptor potential channel interacting; minus strand). Cytogenetic location: 16p13.3.
Variant type: single nucleotide variant.
Coding change: c.6553T>G on transcript NM_001009944.3 (MANE Select); coding-DNA position 6553, T replaced by G.
Protein change: p.Tyr2185Asp; replaces tyrosine 2185 with aspartic acid.
Molecular consequence: missense variant.
Genome position (GRCh38, 1-based): chr16:2,108,614, A>C on the plus strand (T>G on the coding strand, the complement: PKD1 is on the minus strand). VCF-style: chr16-2108614-A-C. GRCh37 (hg19) VCF-style: chr16-2158615-A-C.
Other names: c.6553T>G, p.Tyr2185Asp (NM_000296.4); short protein forms Y2185D.
Identifiers: ClinVar variation 3255038 (VCV003255038.4), dbSNP rs2544802347.